The following is an entry in ClinVar:

NM_025179.4(PLXNA2):c.276G>A (p.Lys92=)

Gene: PLXNA2 (plexin A2; minus strand). Cytogenetic location: 1q32.2.
Variant type: single nucleotide variant.
Coding change: c.276G>A on transcript NM_025179.4 (MANE Select); coding-DNA position 276, G replaced by A.
Protein change: p.Lys92=; no amino-acid change (lysine 92 retained).
Molecular consequence: synonymous variant.
Genome position (GRCh38, 1-based): chr1:208,217,647, C>T on the plus strand (G>A on the coding strand, the complement: PLXNA2 is on the minus strand). VCF-style: chr1-208217647-C-T. GRCh37 (hg19) VCF-style: chr1-208390992-C-T.
Identifiers: ClinVar variation 3356863 (VCV003356863.1).
Genomic context (GRCh38, chr1:208,217,647, plus strand): 5'-ATTGTTGGTGAGGGTGAGCACTTCGCTGCAGGGCTGCACGATGAGGGGCGGGTAACAAGA[C>T]TTGTTGTCCTCTTCTGGCCCTGTCTTATGAGCCACCTGGATGGTCAGGTTGCCTGTCAGC-3'
Protein context (NP_079455.3, residues 82-102): AHKTGPEEDN[Lys92=]SCYPPLIVQP

ClinVar aggregate classification (germline): Likely benign (0 of 4 stars; one submission).

Conditions:
PLXNA2-related disorder. Also called: PLXNA2-related condition.

gnomAD v4.1: 24 of 1,614,164 alleles (0.0015%); highest among the groups gnomAD compares: Non-Finnish European, 0.0019%; no homozygotes.

Submission:

PreventionGenetics, part of Exact Sciences
Classification: Likely benign for PLXNA2-related condition. Last evaluated: 2024-09-06. Review status: no assertion criteria provided. Collection method: clinical testing. Allele origin: germline.
Comment: This variant is classified as likely benign based on ACMG/AMP sequence variant interpretation guidelines (Richards et al. 2015 PMID: 25741868, with internal and published modifications).